The following is an entry in ClinVar:

NM_000059.4(BRCA2):c.1834G>A (p.Glu612Lys)

Gene: BRCA2 (BRCA2 DNA repair associated; plus strand). Cytogenetic location: 13q13.1.
Variant type: single nucleotide variant.
Coding change: c.1834G>A on transcript NM_000059.4 (MANE Select); coding-DNA position 1834, G replaced by A.
Protein change: p.Glu612Lys; replaces glutamic acid 612 with lysine.
Molecular consequence: missense variant.
Genome position (GRCh38, 1-based): chr13:32,333,312, G>A. VCF-style: chr13-32333312-G-A. GRCh37 (hg19) VCF-style: chr13-32907449-G-A.
Other names: short protein forms E612K.
Identifiers: ClinVar variation 431362 (VCV000431362.9), dbSNP rs1135401938, ClinGen allele CA387766181.

ClinVar aggregate classification (germline): Conflicting classifications of pathogenicity. Review status: criteria provided, conflicting classifications (1 of 4 stars). 4 submissions from 4 submitters: Uncertain significance (3); Likely benign (1). Last evaluated 2024-04-27.

Conditions:
Hereditary cancer-predisposing syndrome. Also called: Hereditary Cancer Syndrome; Hereditary neoplastic syndrome; Neoplastic Syndromes, Hereditary; Tumor predisposition. Identifiers: Orphanet 140162, MedGen C0027672, MeSH D009386, MONDO:0015356.
Hereditary breast ovarian cancer syndrome. Also called: Hereditary breast and ovarian cancer syndrome (HBOC); Breast and ovarian cancer; BRCA1- and BRCA2-Associated Hereditary Breast and Ovarian Cancer; Hereditary breast and/or ovarian cancer syndrome; Hereditary breast and ovarian cancer; Hereditary breast and ovarian cancer syndrome. Identifiers: Orphanet 145, MedGen C0677776, MeSH D061325, MONDO:0003582. Disease mechanism: loss of function.

Submissions (4):

Labcorp Genetics (formerly Invitae), Labcorp
Classification: Uncertain significance for Hereditary breast ovarian cancer syndrome. Last evaluated: 2024-04-27. Review status: criteria provided, single submitter. Criteria: Invitae Variant Classification Sherloc (09022015). Collection method: clinical testing. Allele origin: germline.
Comment: This sequence change replaces glutamic acid, which is acidic and polar, with lysine, which is basic and polar, at codon 612 of the BRCA2 protein (p.Glu612Lys). This variant is not present in population databases (gnomAD no frequency). This missense change has been observed in individual(s) with clinical features of BRCA2-related conditions (PMID: 21520333; Invitae). ClinVar contains an entry for this variant (Variation ID: 431362). Advanced modeling of protein sequence and biophysical properties (such as structural, functional, and spatial information, amino acid conservation, physicochemical variation, residue mobility, and thermodynamic stability) performed at Invitae indicates that this missense variant is not expected to disrupt BRCA2 protein function with a negative predictive value of 95%. In summary, the available evidence is currently insufficient to determine the role of this variant in disease. Therefore, it has been classified as a Variant of Uncertain Significance.

Color Diagnostics, LLC DBA Color Health
Classification: Uncertain significance for Hereditary cancer-predisposing syndrome. Last evaluated: 2024-03-25. Review status: criteria provided, single submitter. Criteria: ACMG Guidelines, 2015. Collection method: clinical testing. Allele origin: germline.
Comment: This missense variant replaces glutamic acid with lysine at codon 612 of the BRCA2 protein. Computational prediction suggests that this variant may not impact protein structure and function. To our knowledge, functional studies have not been reported for this variant. This variant has not been reported in individuals affected with BRCA2-related disorders in the literature. This variant has not been identified in the general population by the Genome Aggregation Database (gnomAD). The available evidence is insufficient to determine the role of this variant in disease conclusively. Therefore, this variant is classified as a Variant of Uncertain Significance.

University of Washington Department of Laboratory Medicine, University of Washington
Classification: Likely benign for Hereditary cancer-predisposing syndrome. Last evaluated: 2023-03-23. Review status: criteria provided, single submitter. Criteria: Dines et al. (Genet Med. 2020). Collection method: curation. Allele origin: germline.
Comment: Missense variant in a coldspot region where missense variants are very unlikely to be pathogenic (PMID:31911673).

BRCA2 exon 10 coldspot. Reclassification based on statistical prior probability.

Department of Pathology and Molecular Medicine, Queen's University
Classification: Uncertain significance. Last evaluated: 2017-04-20. Review status: criteria provided, single submitter. Criteria: ACMG Guidelines, 2015. Collection method: clinical testing. Allele origin: germline. Study: The Canadian Open Genetics Repository (COGR).

Literature cited by the submitters: PubMed 21520333 (cited by Labcorp Genetics (formerly Invitae), Labcorp).